The following is an entry in ClinVar:

NM_015346.4(ZFYVE26):c.4312C>T (p.Arg1438Ter)

Gene: ZFYVE26 (zinc finger FYVE-type containing 26; minus strand). Cytogenetic location: 14q24.1.
Variant type: single nucleotide variant.
Coding change: c.4312C>T on transcript NM_015346.4 (MANE Select); coding-DNA position 4312, C replaced by T.
Protein change: p.Arg1438Ter; replaces arginine 1438 with a stop codon.
Molecular consequence: nonsense.
Genome position (GRCh38, 1-based): chr14:67,782,840, G>A on the plus strand (C>T on the coding strand, the complement: ZFYVE26 is on the minus strand). VCF-style: chr14-67782840-G-A. GRCh37 (hg19) VCF-style: chr14-68249557-G-A.
Other names: short protein forms R1438*.
Identifiers: ClinVar variation 749 (VCV000000749.21), dbSNP rs118204049, ClinGen allele CA114476.

ClinVar aggregate classification (germline): Pathogenic. Review status: criteria provided, multiple submitters, no conflicts (2 of 4 stars). 7 submissions from 7 submitters: Pathogenic (5). 2 of the submissions do not count toward it. Last evaluated 2025-05-25.

Conditions:
ZFYVE26-related disorder. Also called: ZFYVE26-related condition.
Spastic paraplegia. Identifiers: MedGen C0037772, HP:0001258.
Hereditary spastic paraplegia 15 (SPG15). Also called: SPASTIC PARAPLEGIA 15, AUTOSOMAL RECESSIVE; SPASTIC PARAPLEGIA AND RETINAL DEGENERATION; KJELLIN SYNDROME. Identifiers: Orphanet 100996, MedGen C1849128, MONDO:0010044, OMIM 270700.

Allele frequency attached by ClinVar (database versions not stated): ExAC 0.00002; gnomAD exomes 0.00001 and 0.00005; gnomAD 0.00003; TOPMed 0.00003.
gnomAD v4.1: 83 of 1,614,014 alleles (0.0051%); highest among the groups gnomAD compares: Non-Finnish European, 0.0065%; no homozygotes.

Submissions (7):

Labcorp Genetics (formerly Invitae), Labcorp
Classification: Pathogenic for Spastic paraplegia. Last evaluated: 2025-05-25. Review status: criteria provided, single submitter. Criteria: Invitae Variant Classification Sherloc (09022015). Collection method: clinical testing. Allele origin: germline.
Comment: This sequence change creates a premature translational stop signal (p.Arg1438*) in the ZFYVE26 gene. It is expected to result in an absent or disrupted protein product. Loss-of-function variants in ZFYVE26 are known to be pathogenic (PMID: 18394578, 19805727). This variant is present in population databases (rs118204049, gnomAD 0.006%). This premature translational stop signal has been observed in individual(s) with hereditary spastic paraplegia (PMID: 18394578). It has also been observed to segregate with disease in related individuals. ClinVar contains an entry for this variant (Variation ID: 749). Algorithms developed to predict the effect of sequence changes on RNA splicing suggest that this variant may disrupt the consensus splice site. For these reasons, this variant has been classified as Pathogenic.

Blueprint Genetics
Classification: Pathogenic for ZFYVE26-related disorders. Last evaluated: 2023-12-05. Review status: criteria provided, single submitter. Criteria: ACMG Guidelines, 2015. Collection method: clinical testing. Allele origin: germline. Affected: yes. Observed: 2 variant alleles.

GeneDx
Classification: Pathogenic. Last evaluated: 2023-09-23. Review status: criteria provided, single submitter. Criteria: GeneDx Variant Classification Process June 2021. Collection method: clinical testing. Allele origin: germline. Affected: yes.
Comment: Nonsense variant predicted to result in protein truncation or nonsense mediated decay in a gene for which loss-of-function is a known mechanism of disease; Not observed at significant frequency in large population cohorts (gnomAD); This variant is associated with the following publications: (PMID: 18394578, 37681008, 17661097, 34544818, 11342696, 35313342)

Revvity Omics, Revvity
Classification: Pathogenic for Hereditary spastic paraplegia 15. Last evaluated: 2022-05-18. Review status: criteria provided, single submitter. Criteria: ACMG Guidelines, 2015. Collection method: clinical testing. Allele origin: germline.

Fulgent Genetics
Classification: Pathogenic for Hereditary spastic paraplegia 15. Last evaluated: 2021-08-02. Review status: criteria provided, single submitter. Criteria: ACMG Guidelines, 2015. Collection method: clinical testing. Allele origin: unknown.

Counsyl
Classification: Likely pathogenic for Hereditary spastic paraplegia 15. Last evaluated: 2016-11-02. Review status: no assertion criteria provided. Collection method: clinical testing. Allele origin: unknown. Not counted in ClinVar's aggregate classification.

OMIM
Classification: Pathogenic for SPASTIC PARAPLEGIA 15, AUTOSOMAL RECESSIVE. Last evaluated: 2008-04-01. Review status: no assertion criteria provided. Collection method: literature only. Allele origin: germline. Not counted in ClinVar's aggregate classification.

Literature cited by the submitters: PubMed 18394578 (cited by 3 submitters); PubMed 19805727 (cited by Labcorp Genetics (formerly Invitae), Labcorp); PubMed 11342696 (cited by OMIM); PubMed 17661097 (cited by OMIM).